The following is an entry in ClinVar:

ClinVar aggregate classification (germline): Likely benign. Review status: criteria provided, multiple submitters, no conflicts (2 of 4 stars). 2 submissions from 2 submitters: Likely benign (2). Last evaluated 2023-10-02.

Conditions:
Familial thoracic aortic aneurysm and aortic dissection (TAAD). Also called: Thoracic aortic aneurysms and dissections. Identifiers: Orphanet 91387, MedGen C4707243, MONDO:0019625.
Aneurysm-osteoarthritis syndrome. Also called: ANEURYSMS-OSTEOARTHRITIS SYNDROME; Loeys-Dietz syndrome, type 1C; SMAD3-Related Loeys-Dietz Syndrome; LOEYS-DIETZ SYNDROME WITH OSTEOARTHRITIS. Identifiers: Orphanet 284984, MedGen C3151087, MONDO:0013426, OMIM 613795.

Submissions (2):

All of Us Research Program, National Institutes of Health
Classification: Likely benign for Aneurysm-osteoarthritis syndrome. Last evaluated: 2023-10-02. Review status: criteria provided, single submitter. Criteria: ACMG Guidelines, 2015. Collection method: clinical testing. Allele origin: germline. Inheritance: Autosomal dominant inheritance. Observed: 2 variant alleles, 2 heterozygotes.
Comment: This study involves interpretation of variants in research participants for the purpose of population health screening. Participant phenotype was not available at the time of variant classification. Additional details can be found in publication PMID: 35346344, PMCID: PMC8962531

Color Diagnostics, LLC DBA Color Health
Classification: Likely benign for Familial thoracic aortic aneurysm and aortic dissection. Last evaluated: 2021-01-04. Review status: criteria provided, single submitter. Criteria: ACMG Guidelines, 2015. Collection method: clinical testing. Allele origin: germline.

NM_005902.4(SMAD3):c.534G>A (p.Glu178=)

Gene: SMAD3 (SMAD family member 3; plus strand). Cytogenetic location: 15q22.33.
Variant type: single nucleotide variant.
Coding change: c.534G>A on transcript NM_005902.4 (MANE Select); coding-DNA position 534, G replaced by A.
Protein change: p.Glu178=; no amino-acid change (glutamic acid 178 retained).
Molecular consequence: synonymous variant. On other transcripts: 5 prime UTR variant (1).
Genome position (GRCh38, 1-based): chr15:67,166,780, G>A. VCF-style: chr15-67166780-G-A. GRCh37 (hg19) VCF-style: chr15-67459118-G-A.
Other names: c.219G>A, p.Glu73= (NM_001145102.2); c.402G>A, p.Glu134= (NM_001145103.2); c.-52G>A (NM_001145104.2).
Identifiers: ClinVar variation 1171270 (VCV001171270.3), dbSNP rs2140296772, ClinGen allele CA490911909.
Genomic context (GRCh38, chr15:67,166,780, plus strand): 5'-GTGTCTCAGAGCCAAGCTGTGAAGGCCTTTTAACAGACCACCTTCCTTCTGATTCCCAGA[G>A]ACCCCACCCCCTGGCTACCTGAGTGAAGATGGAGAAACCAGTGACCACCAGATGAACCAC-3'
Protein context (NP_005893.1, residues 168-188): AGIEPQSNIP[Glu178=]TPPPGYLSED